The following is an entry in ClinVar:

ClinVar aggregate classification (germline): Pathogenic. Review status: reviewed by expert panel (3 of 4 stars). 5 submissions from 5 submitters: Pathogenic (1). 4 of the submissions do not count toward it. Last evaluated 2016-09-08.

Conditions:
Hereditary cancer-predisposing syndrome. Also called: Hereditary Cancer Syndrome; Neoplastic Syndromes, Hereditary; Hereditary neoplastic syndrome; Tumor predisposition. Identifiers: Orphanet 140162, MedGen C0027672, MeSH D009386, MONDO:0015356.
Hereditary breast ovarian cancer syndrome. Also called: Hereditary breast and ovarian cancer syndrome (HBOC); Breast and ovarian cancer; Hereditary breast and ovarian cancer syndrome; Hereditary breast and ovarian cancer; BRCA1- and BRCA2-Associated Hereditary Breast and Ovarian Cancer; Hereditary breast and/or ovarian cancer syndrome. Identifiers: Orphanet 145, MedGen C0677776, MeSH D061325, MONDO:0003582. Disease mechanism: loss of function.
Breast-ovarian cancer, familial, susceptibility to, 1 (BROVCA1). Also called: BRCA1 Hereditary Breast and Ovarian Cancer; OVARIAN CANCER, SUSCEPTIBILITY TO. Identifiers: Orphanet 145, MedGen C2676676, MONDO:0011450, OMIM 604370. Disease mechanism: loss of function.

Submissions (5):

Evidence-based Network for the Interpretation of Germline Mutant Alleles (ENIGMA)
Classification: Pathogenic for Breast-ovarian cancer, familial, susceptibility to, 1. Last evaluated: 2016-09-08. Review status: reviewed by expert panel. Criteria: ENIGMA BRCA1/2 Classification Criteria (2015). Collection method: curation. Allele origin: germline.
Comment: Variant allele predicted to encode a truncated non-functional protein.

Labcorp Genetics (formerly Invitae), Labcorp
Classification: Pathogenic for Hereditary breast ovarian cancer syndrome. Last evaluated: 2023-10-14. Review status: criteria provided, single submitter. Criteria: Invitae Variant Classification Sherloc (09022015). Collection method: clinical testing. Allele origin: germline. Not counted in ClinVar's aggregate classification.
Comment: This sequence change creates a premature translational stop signal (p.Asp369Glyfs*9) in the BRCA1 gene. It is expected to result in an absent or disrupted protein product. Loss-of-function variants in BRCA1 are known to be pathogenic (PMID: 20104584). This variant is not present in population databases (gnomAD no frequency). This variant has not been reported in the literature in individuals affected with BRCA1-related conditions. ClinVar contains an entry for this variant (Variation ID: 254390). For these reasons, this variant has been classified as Pathogenic.

Ambry Genetics
Classification: Pathogenic for Hereditary cancer-predisposing syndrome. Last evaluated: 2023-09-22. Review status: criteria provided, single submitter. Criteria: Ambry Variant Classification Scheme 2023. Collection method: clinical testing. Allele origin: germline. Not counted in ClinVar's aggregate classification.
Comment: The c.1105dupG pathogenic mutation, located in coding exon 9 of the BRCA1 gene, results from a duplication of G at nucleotide position 1105, causing a translational frameshift with a predicted alternate stop codon (p.D369Gfs*9). This variant is considered to be rare based on population cohorts in the Genome Aggregation Database (gnomAD). This alteration is expected to result in loss of function by premature protein truncation or nonsense-mediated mRNA decay. As such, this alteration is interpreted as a disease-causing mutation.

Institute for Clinical Genetics, University Hospital TU Dresden, University Hospital TU Dresden
Classification: Pathogenic. Last evaluated: 2021-11-03. Review status: criteria provided, single submitter. Criteria: ACMG Guidelines, 2015. Collection method: clinical testing. Allele origin: germline. Not counted in ClinVar's aggregate classification.

Consortium of Investigators of Modifiers of BRCA1/2 (CIMBA), c/o University of Cambridge
Classification: Pathogenic for Breast-ovarian cancer, familial, susceptibility to, 1. Last evaluated: 2015-10-02. Review status: criteria provided, single submitter. Criteria: CIMBA Mutation Classification guidelines May 2016. Collection method: clinical testing. Allele origin: germline. Not counted in ClinVar's aggregate classification.

Literature cited by the submitters: PubMed 20104584 (cited by Labcorp Genetics (formerly Invitae), Labcorp).

NM_007294.4(BRCA1):c.1105dup (p.Asp369fs)

Gene: BRCA1 (BRCA1 DNA repair associated; minus strand). Cytogenetic location: 17q21.31.
Variant type: Duplication.
Coding change: c.1105dup on transcript NM_007294.4 (MANE Select); coding-DNA position 1105, one base duplicated (G; older notation c.1105dupG).
Protein change: p.Asp369fs; shifts the reading frame from aspartic acid 369.
Molecular consequence: frameshift variant. On other transcripts: intron variant (137).
Genome position (GRCh38, 1-based): chr17:43,094,426, C duplicated on the plus strand (G on the coding strand, the reverse complement: BRCA1 is on the minus strand). VCF-style (leftmost placement, unchanged base first): chr17-43094425-T-TC. GRCh37 (hg19) VCF-style: chr17-41246442-T-TC.
Other names: c.1105dupG (NM_007294.3); c.982dup, p.Asp328fs (NM_001407683.1, NM_001407863.1, NM_001407919.1 and 19 more transcripts); c.1105dup, p.Asp369fs (NM_001407684.1, NM_001407854.1, NM_001407858.1 and 30 more transcripts); c.979dup, p.Asp327fs (NM_001407685.1, NM_001407686.1, NM_001407687.1 and 11 more transcripts); c.964dup, p.Asp322fs (NM_001407692.1, NM_001407694.1, NM_001407695.1 and 29 more transcripts); c.961dup, p.Asp321fs (NM_001407740.1, NM_001407741.1, NM_001407742.1 and 20 more transcripts); c.892dup, p.Asp298fs (NM_001407853.1, NM_001407894.1, NM_001407895.1 and 9 more transcripts); c.1102dup, p.Asp368fs (NM_001407860.1, NM_001407861.1, NM_001407587.1 and 22 more transcripts); and 41 more; short protein forms D322fs, D369fs, D280fs, D327fs, D328fs, D241fs, D281fs, D299fs.
Identifiers: ClinVar variation 254390 (VCV000254390.12), dbSNP rs1555592498, ClinGen allele CA10586658.